The following is an entry in ClinVar:

NM_005391.5(PDK3):c.517G>T (p.Gly173Trp)

Gene: PDK3 (pyruvate dehydrogenase kinase 3; plus strand). Cytogenetic location: Xp22.11.
Variant type: single nucleotide variant.
Coding change: c.517G>T on transcript NM_005391.5 (MANE Select); coding-DNA position 517, G replaced by T.
Protein change: p.Gly173Trp; replaces glycine 173 with tryptophan.
Molecular consequence: missense variant.
Genome position (GRCh38, 1-based): chrX:24,505,220, G>T. VCF-style: chrX-24505220-G-T. GRCh37 (hg19) VCF-style: chrX-24523337-G-T.
Other names: c.517G>T, p.Gly173Trp (NM_001142386.3); short protein forms G173W.
Identifiers: ClinVar variation 4814242 (VCV004814242.1).

ClinVar aggregate classification (germline): Likely benign (1 of 4 stars; one submission).

Conditions:
Charcot-Marie-Tooth disease X-linked dominant 6. Also called: CHARCOT-MARIE-TOOTH NEUROPATHY, X-LINKED DOMINANT, 6. Identifiers: Orphanet 352675, MedGen C3806702, MONDO:0010479, OMIM 300905.

Submission:

Centre for Medical Genetics,  Mumbai
Classification: Likely benign for Charcot-Marie-Tooth disease X-linked dominant 6. Last evaluated: 2026-03-06. Review status: criteria provided, single submitter. Criteria: ACMG Guidelines, 2015. Collection method: provider interpretation. Allele origin: germline. Inheritance: X-linked dominant inheritance. Affected: no. Observed: 1 variant allele, 1 heterozygote.
Comment: The variant satisfies PM2 criteria; Extremely low frequency in gnomAD population databases. However, the variant satisfies BS2 criteria, present in heterozygous state in an individual that clinically does not have Charcot-Marie-Tooth disease, X-linked dominant, 6

Literature cited by the submitters: PubMed 23297365.